The following is an entry in ClinVar:

ClinVar aggregate classification (germline): Uncertain significance. Review status: criteria provided, multiple submitters, no conflicts (2 of 4 stars). 2 submissions from 2 submitters: Uncertain significance (2). Last evaluated 2024-03-11.

Conditions:
Familial hypercholesterolemia. Also called: Familial hypercholesterolaemia. Identifiers: MedGen C0020445, MONDO:0005439.

Allele frequency attached by ClinVar (database versions not stated): gnomAD exomes 0.00002; ExAC 0.00007.

Submissions (2):

Quest Diagnostics Nichols Institute San Juan Capistrano
Classification: Uncertain significance. Last evaluated: 2024-03-11. Review status: criteria provided, single submitter. Criteria: Quest Diagnostics criteria. Collection method: clinical testing. Allele origin: unknown.
Comment: The PCSK9 c.136C>T (p.Arg46Cys) variant has not been reported in individuals with PCSK9-related conditions in the published literature. The frequency of this variant in the general population, 0.000015 (3/196170 chromosomes (Genome Aggregation Database)), is uninformative in the assessment of its pathogenicity. Analysis of this variant using bioinformatics tools for the prediction of the effect of amino acid changes on protein structure and function yielded predictions that this variant is benign. Based on the available information, we are unable to determine the clinical significance of this variant.

Color Diagnostics, LLC DBA Color Health
Classification: Uncertain significance for Familial hypercholesterolemias. Last evaluated: 2018-10-18. Review status: criteria provided, single submitter. Criteria: ACMG Guidelines, 2015. Collection method: clinical testing. Allele origin: germline.
Comment: Variant of Uncertain Significance due to insufficient evidence: This missense variant is located in the propeptide domain of the PCSK9 protein. Computational prediction tools and conservation analyses suggest that this variant may not impact the protein function. Computational splicing tools suggest that this variant may not impact RNA splicing. To our knowledge, functional assays have not been performed for this variant nor has this variant been reported in individuals affected with familial hypercholesterolemia in the literature. This variant is rare in the general population and has been identified in 0/277264 chromosomes by the Genome Aggregation Database (gnomAD). Available evidence is insufficient to determine the pathogenicity of this variant conclusively.

NM_174936.4(PCSK9):c.136C>T (p.Arg46Cys)

Gene: PCSK9 (proprotein convertase subtilisin/kexin type 9; plus strand). Cytogenetic location: 1p32.3.
Variant type: single nucleotide variant.
Coding change: c.136C>T on transcript NM_174936.4 (MANE Select); coding-DNA position 136, C replaced by T.
Protein change: p.Arg46Cys; replaces arginine 46 with cysteine.
Molecular consequence: missense variant.
Genome position (GRCh38, 1-based): chr1:55,039,973, C>T. VCF-style: chr1-55039973-C-T. GRCh37 (hg19) VCF-style: chr1-55505646-C-T.
Other names: short protein forms R46C.
Identifiers: ClinVar variation 630138 (VCV000630138.3), dbSNP rs747713772, ClinGen allele CA036614.
Genomic context (GRCh38, chr1:55,039,973, plus strand): 5'-GCGGGCGCCCGTGCGCAGGAGGACGAGGACGGCGACTACGAGGAGCTGGTGCTAGCCTTG[C>T]GTTCCGAGGAGGACGGCCTGGCCGAAGCACCCGAGCACGGAACCACAGCCACCTTCCACC-3'
Protein context (NP_777596.2, residues 36-56): GDYEELVLAL[Arg46Cys]SEEDGLAEAP